The following is an entry in ClinVar:

NM_021930.6(RINT1):c.2056A>T (p.Ile686Phe)

Genes: EFCAB10 (EF-hand calcium binding domain 10; minus strand), RINT1 (RAD50 interactor 1; plus strand). Cytogenetic location: 7q22.3.
Variant type: single nucleotide variant.
Coding change: c.2056A>T on transcript NM_021930.6 (MANE Select); coding-DNA position 2056, A replaced by T.
Protein change: p.Ile686Phe; replaces isoleucine 686 with phenylalanine.
Molecular consequence: missense variant. On other transcripts: 3 prime UTR variant (2), non-coding transcript variant (1).
Genome position (GRCh38, 1-based): chr7:105,565,446, A>T. VCF-style: chr7-105565446-A-T. GRCh37 (hg19) VCF-style: chr7-105205893-A-T.
Other names: c.*1T>A (NM_001355526.2); c.*103T>A (NM_001355530.2); c.361T>A, p.Cys121Ser (NM_001355531.2); c.1822A>T, p.Ile608Phe (NM_001346599.2); c.1033A>T, p.Ile345Phe (NM_001346600.2, NM_001346603.2); c.1132A>T, p.Ile378Phe (NM_001346601.2); short protein forms C121S, I345F, I378F, I608F, I686F.
Identifiers: ClinVar variation 4154614 (VCV004154614.1).
Genomic context (GRCh38, chr7:105,565,446, plus strand): 5'-CTTTGTTTCTCCTTATTTAAAATTTTCTGGCAAATGCTTGTAGAGAAGCTGGATGTATAC[A>T]TCTACCAAGAAGTAAGTAAGAATAGACTGTTTTTGGGCTGTGATAATAAAGACAACTGTT-3'
Protein context (NP_068749.3, residues 676-696): QMLVEKLDVY[Ile686Phe]YQEIILANHF

ClinVar aggregate classification (germline): Uncertain significance (1 of 4 stars; one submission).

Submission:

Ambry Genetics
Classification: Uncertain significance. Last evaluated: 2025-08-01. Review status: criteria provided, single submitter. Criteria: Ambry Variant Classification Scheme 2023. Collection method: clinical testing. Allele origin: germline.
Comment: The p.I686F variant (also known as c.2056A>T), located in coding exon 13 of the RINT1 gene, results from an A to T substitution at nucleotide position 2056. The isoleucine at codon 686 is replaced by phenylalanine, an amino acid with highly similar properties. This amino acid position is conserved. In addition, this alteration is predicted to be tolerated by in silico analysis. Based on the available evidence, the clinical significance of this variant remains unclear.